The following is an entry in ClinVar:

ClinVar aggregate classification (germline): Pathogenic (1 of 4 stars; one submission).

Conditions:
Wilms tumor 1 (WT1). Also called: Wilms tumor, somatic. Identifiers: Orphanet 654, MedGen CN033288, MONDO:0008679, OMIM 194070.
11p partial monosomy syndrome (WAGR). Also called: CHROMOSOME 11p13 DELETION SYNDROME; WAGR syndrome; WAGR Complex; WAGR Spectrum Disorder. Identifiers: Orphanet 893, MedGen C0206115, MONDO:0008681, OMIM 194072.
Drash syndrome (DDS). Also called: NEPHROPATHY, WILMS TUMOR, AND GENITAL ANOMALIES; WILMS TUMOR AND PSEUDO- OR TRUE HERMAPHRODITISM. Identifiers: Orphanet 220, MedGen C0950121, MONDO:0008682, OMIM 194080.
Frasier syndrome. Identifiers: Orphanet 347, MedGen C0950122, MeSH D052159, MONDO:0007635, OMIM 136680.

Submission:

Labcorp Genetics (formerly Invitae), Labcorp
Classification: Pathogenic for Wilms tumor 1; Drash syndrome; 11p partial monosomy syndrome; Frasier syndrome. Last evaluated: 2022-12-26. Review status: criteria provided, single submitter. Criteria: Invitae Variant Classification Sherloc (09022015). Collection method: clinical testing. Allele origin: unknown.
Comment: For these reasons, this variant has been classified as Pathogenic. This variant disrupts a region of the WT1 protein in which other variant(s) (p.Arg458*) have been determined to be pathogenic (PMID: 9108089, 10571943, 12471221, 15150775, 21508141, 21851196, 23117548, 23515051). This suggests that this is a clinically significant region of the protein, and that variants that disrupt it are likely to be disease-causing. This variant has not been reported in the literature in individuals affected with WT1-related conditions. This variant is a gross deletion of the genomic region encompassing exon(s) 6-10 of the WT1 gene, which includes the termination codon. This deletion extends beyond the assayed region for this gene and therefore may encompass additional genes. While this deletion is not anticipated to lead to nonsense mediated decay, it is expected to alter mRNA translation or result in a truncated protein product.

Literature cited by the submitters: PubMed 9108089; PubMed 10571943; PubMed 12471221; PubMed 15150775; PubMed 21508141; PubMed 21851196; PubMed 23117548; PubMed 23515051.

NC_000011.9:g.(?_32410601)_(32421600_?)del

Gene: WT1 (WT1 transcription factor; minus strand). Cytogenetic location: 11p13.
Variant type: Deletion.
Identifiers: ClinVar variation 3244689 (VCV003244689.1).